The following is an entry in ClinVar:

NM_003079.5(SMARCE1):c.676G>A (p.Val226Ile)

Gene: SMARCE1 (SWI/SNF related BAF chromatin remodeling complex subunit E1; minus strand). Cytogenetic location: 17q21.2.
Variant type: single nucleotide variant.
Coding change: c.676G>A on transcript NM_003079.5 (MANE Select); coding-DNA position 676, G replaced by A.
Protein change: p.Val226Ile; replaces valine 226 with isoleucine.
Molecular consequence: missense variant.
Genome position (GRCh38, 1-based): chr17:40,632,233, C>T on the plus strand (G>A on the coding strand, the complement: SMARCE1 is on the minus strand). VCF-style: chr17-40632233-C-T. GRCh37 (hg19) VCF-style: chr17-38788485-C-T.
Other names: short protein forms V226I.
Identifiers: ClinVar variation 5029970 (VCV005029970.1).

ClinVar aggregate classification (germline): Uncertain significance (1 of 4 stars; one submission).

Conditions:
Hereditary cancer-predisposing syndrome. Also called: Neoplastic Syndromes, Hereditary; Tumor predisposition; Hereditary neoplastic syndrome; Hereditary Cancer Syndrome. Identifiers: Orphanet 140162, MedGen C0027672, MeSH D009386, MONDO:0015356.

Submission:

Ambry Genetics
Classification: Uncertain significance for Hereditary cancer-predisposing syndrome. Last evaluated: 2026-07-26. Review status: criteria provided, single submitter. Criteria: Ambry Variant Classification Scheme 2023. Collection method: clinical testing. Allele origin: germline.
Comment: The p.V226I variant (also known as c.676G>A), located in coding exon 7 of the SMARCE1 gene, results from a G to A substitution at nucleotide position 676. The valine at codon 226 is replaced by isoleucine, an amino acid with highly similar properties. This amino acid position is conserved. In addition, this alteration is predicted to be tolerated by in silico analysis. Based on the available evidence, the clinical significance of this variant remains unclear.